The following is an entry in ClinVar:

NM_001077418.3(TMEM231):c.792G>A (p.Glu264=)

Gene: TMEM231 (transmembrane protein 231; minus strand). Cytogenetic location: 16q23.1.
Variant type: single nucleotide variant.
Coding change: c.792G>A on transcript NM_001077418.3 (MANE Select); coding-DNA position 792, G replaced by A.
Protein change: p.Glu264=; no amino-acid change (glutamic acid 264 retained).
Molecular consequence: synonymous variant. On other transcripts: non-coding transcript variant (1).
Genome position (GRCh38, 1-based): chr16:75,540,153, C>T on the plus strand (G>A on the coding strand, the complement: TMEM231 is on the minus strand). VCF-style: chr16-75540153-C-T. GRCh37 (hg19) VCF-style: chr16-75574051-C-T.
Other names: c.951G>A, p.Glu317= (NM_001077416.2).
Identifiers: ClinVar variation 1597535 (VCV001597535.9), dbSNP rs754352443, ClinGen allele CA8176021.
Genomic context (GRCh38, chr16:75,540,153, plus strand): 5'-AAACACCCAGAGGAAGATAAGCAGGATGCTGACATACTGCACCCAGGCGAACTTTACCAT[C>T]TCCCAGAATCCTGGCTGATAAGTATGGACAGTTAAGGAGTGAAGGGCCACATGGTGTTAA-3'
Protein context (NP_001070886.1, residues 254-274): EVISYQPGFW[Glu264=]MVKFAWVQYV

ClinVar aggregate classification (germline): Likely benign. Review status: criteria provided, multiple submitters, no conflicts (2 of 4 stars). 2 submissions from 2 submitters: Likely benign (2). Last evaluated 2026-08-01.

Conditions:
Joubert syndrome 20 (JBTS20). Identifiers: Orphanet 475, MedGen C3554235, MONDO:0013994, OMIM 614970.
Meckel syndrome, type 11 (MKS11). Identifiers: Orphanet 564, MedGen C3809352, MONDO:0014164, OMIM 615397.

gnomAD v4.1: 20 of 1,613,358 alleles (0.0012%); highest among the groups gnomAD compares: Admixed American, 0.02%; no homozygotes.

Submissions (2):

CeGaT Center for Human Genetics Tuebingen
Classification: Likely benign. Last evaluated: 2026-08-01. Review status: criteria provided, single submitter. Criteria: CeGaT Center For Human Genetics Tuebingen Variant Classification Criteria Version 2. Collection method: clinical testing. Allele origin: germline. Affected: yes. Observed: 1 variant allele.
Comment: TMEM231: BP4, BP7

Labcorp Genetics (formerly Invitae), Labcorp
Classification: Likely benign for Joubert syndrome 20; Meckel syndrome, type 11. Last evaluated: 2025-01-06. Review status: criteria provided, single submitter. Criteria: Invitae Variant Classification Sherloc (09022015). Collection method: clinical testing. Allele origin: germline.